The following is an entry in ClinVar:

ClinVar aggregate classification (germline): Uncertain significance (1 of 4 stars; one submission).

Conditions:
Hereditary spastic paraplegia 39 (SPG39). Also called: SPASTIC PARAPLEGIA 39, AUTOSOMAL RECESSIVE; Spastic Paraplegia Type 39 (SPG39). Identifiers: Orphanet 139480, MedGen C2677586, MONDO:0012787, OMIM 612020.

Allele frequency attached by ClinVar (database versions not stated): gnomAD exomes below 0.00001.
gnomAD v4.1: 1 of 1,610,946 alleles (0.000062%); highest among the groups gnomAD compares: Admixed American, 0.0017%; no homozygotes.

Submission:

Labcorp Genetics (formerly Invitae), Labcorp
Classification: Uncertain significance for Hereditary spastic paraplegia 39. Last evaluated: 2019-07-12. Review status: criteria provided, single submitter. Criteria: Invitae Variant Classification Sherloc (09022015). Collection method: clinical testing. Allele origin: germline.
Comment: This sequence change replaces aspartic acid with asparagine at codon 1287 of the PNPLA6 protein (p.Asp1287Asn). The aspartic acid residue is weakly conserved and there is a small physicochemical difference between aspartic acid and asparagine. In summary, the available evidence is currently insufficient to determine the role of this variant in disease. Therefore, it has been classified as a Variant of Uncertain Significance. Algorithms developed to predict the effect of missense changes on protein structure and function (SIFT, PolyPhen-2, Align-GVGD) all suggest that this variant is likely to be tolerated, but these predictions have not been confirmed by published functional studies and their clinical significance is uncertain. This variant has not been reported in the literature in individuals with PNPLA6-related conditions. This variant is not present in population databases (ExAC no frequency).

NM_001166114.2(PNPLA6):c.3973G>A (p.Asp1325Asn)

Gene: PNPLA6 (patatin like domain 6, lysophospholipase; plus strand). Cytogenetic location: 19p13.2.
Variant type: single nucleotide variant.
Coding change: c.3973G>A on transcript NM_001166114.2 (MANE Select); coding-DNA position 3973, G replaced by A.
Protein change: p.Asp1325Asn; replaces aspartic acid 1325 with asparagine.
Molecular consequence: missense variant.
Genome position (GRCh38, 1-based): chr19:7,561,267, G>A. VCF-style: chr19-7561267-G-A. GRCh37 (hg19) VCF-style: chr19-7626153-G-A.
Other names: c.4003G>A, p.Asp1335Asn (NM_001166111.2); c.3778G>A, p.Asp1260Asn (NM_001166112.2); c.3859G>A, p.Asp1287Asn (NM_001166113.1, NM_006702.5); short protein forms D1287N, D1260N, D1325N, D1335N.
Identifiers: ClinVar variation 950229 (VCV000950229.9), dbSNP rs1269084486, ClinGen allele CA403139448.